The following is an entry in ClinVar:

NM_014003.4(DHX38):c.616+8C>T

Gene: DHX38 (DEAH-box helicase 38; plus strand). Cytogenetic location: 16q22.2.
Variant type: single nucleotide variant.
Coding change: c.616+8C>T on transcript NM_014003.4 (MANE Select); 8 bases into the intron after coding-DNA position 616, C replaced by T.
Molecular consequence: intron variant.
Genome position (GRCh38, 1-based): chr16:72,097,789, C>T. VCF-style: chr16-72097789-C-T. GRCh37 (hg19) VCF-style: chr16-72131688-C-T.
Identifiers: ClinVar variation 1108362 (VCV001108362.33), dbSNP rs374944590, ClinGen allele CA8160023.

ClinVar aggregate classification (germline): Likely benign. Review status: criteria provided, multiple submitters, no conflicts (2 of 4 stars). 3 submissions from 3 submitters: Likely benign (3). Last evaluated 2025-12-03.

Allele frequency attached by ClinVar (database versions not stated): ESP Exome Variant Server 0.00008; ExAC 0.00009; gnomAD exomes 0.00009 and 0.00024; TOPMed 0.00011; gnomAD 0.00015 and 0.00016.
gnomAD v4.1: 370 of 1,611,398 alleles (0.023%); highest among the groups gnomAD compares: Non-Finnish European, 0.03%; no homozygotes.

Submissions (3):

Labcorp Genetics (formerly Invitae), Labcorp
Classification: Likely benign. Last evaluated: 2025-12-03. Review status: criteria provided, single submitter. Criteria: Invitae Variant Classification Sherloc (09022015). Collection method: clinical testing. Allele origin: germline.

CeGaT Center for Human Genetics Tuebingen
Classification: Likely benign. Last evaluated: 2023-09-01. Review status: criteria provided, single submitter. Criteria: CeGaT Center For Human Genetics Tuebingen Variant Classification Criteria Version 2. Collection method: clinical testing. Allele origin: germline. Affected: yes. Observed: 1 variant allele.
Comment: DHX38: BP4

Blueprint Genetics
Classification: Likely benign. Last evaluated: 2023-06-28. Review status: criteria provided, single submitter. Criteria: ACMG Guidelines, 2015. Collection method: clinical testing. Allele origin: germline.